The following is an entry in ClinVar:

NM_001127671.2(LIFR):c.452C>G (p.Ser151Cys)

Gene: LIFR (LIF receptor subunit alpha; minus strand). Cytogenetic location: 5p13.1.
Variant type: single nucleotide variant.
Coding change: c.452C>G on transcript NM_001127671.2 (MANE Select); coding-DNA position 452, C replaced by G.
Protein change: p.Ser151Cys; replaces serine 151 with cysteine.
Molecular consequence: missense variant.
Genome position (GRCh38, 1-based): chr5:38,523,528, G>C on the plus strand (C>G on the coding strand, the complement: LIFR is on the minus strand). VCF-style: chr5-38523528-G-C. GRCh37 (hg19) VCF-style: chr5-38523630-G-C.
Other names: c.452C>G, p.Ser151Cys (NM_001364297.2, NM_001364298.2, NM_002310.6); short protein forms S151C.
Identifiers: ClinVar variation 501917 (VCV000501917.11), dbSNP rs61751712, ClinGen allele CA3243206.

ClinVar aggregate classification (germline): Conflicting classifications of pathogenicity. Review status: criteria provided, conflicting classifications (1 of 4 stars). 4 submissions from 4 submitters: Uncertain significance (3); Likely benign (1). Last evaluated 2024-04-22.

Conditions:
Stüve-Wiedemann syndrome 1. Also called: STUVE-WIEDEMANN/SCHWARTZ-JAMPEL TYPE 2 SYNDROME. Identifiers: Orphanet 3206, MedGen C5676888, MONDO:0800043, OMIM 601559.

Allele frequency attached by ClinVar (database versions not stated): ExAC 0.00005; ESP Exome Variant Server 0.00008; gnomAD exomes 0.00010 and 0.00045; TOPMed 0.00012; gnomAD 0.00014 and 0.00015.
gnomAD v4.1: 658 of 1,613,098 alleles (0.041%); highest among the groups gnomAD compares: Non-Finnish European, 0.055%; 2 homozygotes.

Submissions (4):

Fulgent Genetics
Classification: Likely benign for Stüve-Wiedemann syndrome 1. Last evaluated: 2024-04-22. Review status: criteria provided, single submitter. Criteria: ACMG Guidelines, 2015. Collection method: clinical testing. Allele origin: germline.

Labcorp Genetics (formerly Invitae), Labcorp
Classification: Uncertain significance. Last evaluated: 2022-07-26. Review status: criteria provided, single submitter. Criteria: Invitae Variant Classification Sherloc (09022015). Collection method: clinical testing. Allele origin: germline.
Comment: This sequence change replaces serine, which is neutral and polar, with cysteine, which is neutral and slightly polar, at codon 151 of the LIFR protein (p.Ser151Cys). This variant is present in population databases (rs61751712, gnomAD 0.02%). This variant has not been reported in the literature in individuals affected with LIFR-related conditions. ClinVar contains an entry for this variant (Variation ID: 501917). Algorithms developed to predict the effect of missense changes on protein structure and function are either unavailable or do not agree on the potential impact of this missense change (SIFT: "Deleterious"; PolyPhen-2: "Possibly Damaging"; Align-GVGD: "Class C0"). In summary, the available evidence is currently insufficient to determine the role of this variant in disease. Therefore, it has been classified as a Variant of Uncertain Significance.

Department of Pathology and Laboratory Medicine, Sinai Health System
Classification: Uncertain significance for Stüve-Wiedemann syndrome 1. Last evaluated: 2021-12-08. Review status: criteria provided, single submitter. Criteria: ACMG Guidelines, 2015. Collection method: research. Allele origin: germline.

Eurofins Ntd Llc (ga)
Classification: Uncertain significance. Last evaluated: 2017-05-17. Review status: criteria provided, single submitter. Criteria: EGL Classification Definitions 2015. Collection method: clinical testing. Allele origin: germline. Observed: 1 variant allele, 1 heterozygote.